The following is an entry in ClinVar:

NM_000070.3(CAPN3):c.740A>G (p.Asp247Gly)

Gene: CAPN3 (calpain 3; plus strand). Cytogenetic location: 15q15.1.
Variant type: single nucleotide variant.
Coding change: c.740A>G on transcript NM_000070.3 (MANE Select); coding-DNA position 740, A replaced by G.
Protein change: p.Asp247Gly; replaces aspartic acid 247 with glycine.
Molecular consequence: missense variant.
Genome position (GRCh38, 1-based): chr15:42,389,035, A>G. VCF-style: chr15-42389035-A-G. GRCh37 (hg19) VCF-style: chr15-42681233-A-G.
Other names: c.740A>G, p.Asp247Gly (NM_024344.2, NM_173087.2); short protein forms D247G.
Identifiers: ClinVar variation 1428617 (VCV001428617.5), dbSNP rs2141168006, ClinGen allele CA391998277.
Genomic context (GRCh38, chr15:42,389,035, plus strand): 5'-CCATGGAGGACTTCACAGGAGGGGTGGCAGAGTTTTTTGAGATCAGGGATGCTCCTAGTG[A>G]CATGTACAAGATCATGAAGAAAGCCATCGAGAGAGGCTCCCTCATGGGCTGCTCCATTGA-3'
Protein context (NP_000061.1, residues 237-257): EFFEIRDAPS[Asp247Gly]MYKIMKKAIE

ClinVar aggregate classification (germline): Uncertain significance (1 of 4 stars; one submission).

Conditions:
Autosomal recessive limb-girdle muscular dystrophy type 2A (LGMDR1). Also called: LEYDEN-MOEBIUS MUSCULAR DYSTROPHY; Limb-girdle muscular dystrophy, type 2A; Calpainopathy; Muscular dystrophy, limb-girdle, type 2A, Amish; MUSCULAR DYSTROPHY, PELVOFEMORAL. Identifiers: Orphanet 267, MedGen C1869123, MONDO:0009675, OMIM 253600. Disease mechanism: loss of function.

Allele frequency attached by ClinVar (database versions not stated): gnomAD exomes below 0.00001.
gnomAD v4.1: 1 of 1,614,068 alleles (0.000062%); highest among the groups gnomAD compares: Non-Finnish European, 0.000085%; no homozygotes.

Submission:

Labcorp Genetics (formerly Invitae), Labcorp
Classification: Uncertain significance for Autosomal recessive limb-girdle muscular dystrophy type 2A. Last evaluated: 2025-08-18. Review status: criteria provided, single submitter. Criteria: Invitae Variant Classification Sherloc (09022015). Collection method: clinical testing. Allele origin: germline.
Comment: This sequence change replaces aspartic acid, which is acidic and polar, with glycine, which is neutral and non-polar, at codon 247 of the CAPN3 protein (p.Asp247Gly). This variant is not present in population databases (gnomAD no frequency). This variant has not been reported in the literature in individuals affected with CAPN3-related conditions. ClinVar contains an entry for this variant (Variation ID: 1428617). Invitae Evidence Modeling of protein sequence and biophysical properties (such as structural, functional, and spatial information, amino acid conservation, physicochemical variation, residue mobility, and thermodynamic stability) indicates that this missense variant is not expected to disrupt CAPN3 protein function with a negative predictive value of 80%. In summary, the available evidence is currently insufficient to determine the role of this variant in disease. Therefore, it has been classified as a Variant of Uncertain Significance.